The following is an entry in ClinVar:

NM_000528.4(MAN2B1):c.1917G>C (p.Gln639His)

Gene: MAN2B1 (mannosidase alpha class 2B member 1; minus strand). Cytogenetic location: 19p13.13.
Variant type: single nucleotide variant.
Coding change: c.1917G>C on transcript NM_000528.4 (MANE Select); coding-DNA position 1917, G replaced by C.
Protein change: p.Gln639His; replaces glutamine 639 with histidine.
Molecular consequence: missense variant.
Genome position (GRCh38, 1-based): chr19:12,652,374, C>G on the plus strand (G>C on the coding strand, the complement: MAN2B1 is on the minus strand). VCF-style: chr19-12652374-C-G. GRCh37 (hg19) VCF-style: chr19-12763188-C-G.
Other names: c.1914G>C, p.Gln638His (NM_001173498.2); short protein forms Q639H, Q638H.
Identifiers: ClinVar variation 2067430 (VCV002067430.4), dbSNP rs2023858969, ClinGen allele CA404244466.

ClinVar aggregate classification (germline): Uncertain significance (1 of 4 stars; one submission).

Conditions:
Deficiency of alpha-mannosidase (MANSA). Also called: Mannosidosis, alpha-, types I and II; LYSOSOMAL ALPHA-D-MANNOSIDASE DEFICIENCY; Alpha-Mannosidosis. Identifiers: Orphanet 61, MedGen C0024748, MONDO:0009561, OMIM 248500.

Allele frequency attached by ClinVar (database versions not stated): gnomAD exomes below 0.00001.
gnomAD v4.1: 2 of 1,614,102 alleles (0.00012%); highest among the groups gnomAD compares: Non-Finnish European, 0.000085%; no homozygotes.

Submission:

Labcorp Genetics (formerly Invitae), Labcorp
Classification: Uncertain significance for Deficiency of alpha-mannosidase. Last evaluated: 2022-06-04. Review status: criteria provided, single submitter. Criteria: Invitae Variant Classification Sherloc (09022015). Collection method: clinical testing. Allele origin: germline.
Comment: In summary, the available evidence is currently insufficient to determine the role of this variant in disease. Therefore, it has been classified as a Variant of Uncertain Significance. Algorithms developed to predict the effect of missense changes on protein structure and function are either unavailable or do not agree on the potential impact of this missense change (SIFT: "Deleterious"; PolyPhen-2: "Probably Damaging"; Align-GVGD: "Class C0"). This variant has not been reported in the literature in individuals affected with MAN2B1-related conditions. This variant is not present in population databases (gnomAD no frequency). This sequence change replaces glutamine, which is neutral and polar, with histidine, which is basic and polar, at codon 639 of the MAN2B1 protein (p.Gln639His).